The following is an entry in ClinVar:

ClinVar aggregate classification (germline): Uncertain significance (1 of 4 stars; one submission).

Conditions:
Hermansky-Pudlak syndrome 2 (HPS2). Also called: Platelet defects and oculocutaneous albinism. Identifiers: Orphanet 183678, Orphanet 79430, MedGen C1842362, MONDO:0011997, OMIM 608233.

Allele frequency attached by ClinVar (database versions not stated): gnomAD exomes below 0.00001; TOPMed below 0.00001.
gnomAD v4.1: 3 of 1,614,230 alleles (0.00019%); highest among the groups gnomAD compares: Admixed American, 0.0017%; no homozygotes.

Submission:

Labcorp Genetics (formerly Invitae), Labcorp
Classification: Uncertain significance for Hermansky-Pudlak syndrome 2. Last evaluated: 2022-08-06. Review status: criteria provided, single submitter. Criteria: Invitae Variant Classification Sherloc (09022015). Collection method: clinical testing. Allele origin: germline.
Comment: This sequence change replaces asparagine, which is neutral and polar, with serine, which is neutral and polar, at codon 713 of the AP3B1 protein (p.Asn713Ser). In summary, the available evidence is currently insufficient to determine the role of this variant in disease. Therefore, it has been classified as a Variant of Uncertain Significance. Algorithms developed to predict the effect of missense changes on protein structure and function output the following: SIFT: "Tolerated"; PolyPhen-2: "Benign"; Align-GVGD: "Class C0". The serine amino acid residue is found in multiple mammalian species, which suggests that this missense change does not adversely affect protein function. This variant has not been reported in the literature in individuals affected with AP3B1-related conditions. This variant is not present in population databases (gnomAD no frequency).

NM_003664.5(AP3B1):c.2138A>G (p.Asn713Ser)

Gene: AP3B1 (adaptor related protein complex 3 subunit beta 1; minus strand). Cytogenetic location: 5q14.1.
Variant type: single nucleotide variant.
Coding change: c.2138A>G on transcript NM_003664.5 (MANE Select); coding-DNA position 2138, A replaced by G.
Protein change: p.Asn713Ser; replaces asparagine 713 with serine.
Molecular consequence: missense variant.
Genome position (GRCh38, 1-based): chr5:78,113,863, T>C on the plus strand (A>G on the coding strand, the complement: AP3B1 is on the minus strand). VCF-style: chr5-78113863-T-C. GRCh37 (hg19) VCF-style: chr5-77409687-T-C.
Other names: c.1991A>G, p.Asn664Ser (NM_001271769.2); c.2138A>G, p.Asn713Ser (NM_001410752.1); short protein forms N664S, N713S.
Identifiers: ClinVar variation 2151623 (VCV002151623.4), dbSNP rs1751702264, ClinGen allele CA360183773.
Genomic context (GRCh38, chr5:78,113,863, plus strand): 5'-CCTGACTCCCGTCCACTCTCACTGTCCTGCTCACTGGAGGAGTCCTCACTGCTGTCCTCA[T>C]TGCTGTCTCCTTCCTCCCCACTTTCGCCTTGTTCTCCACTTTCACTTCCAGATTCACTCT-3'
Protein context (NP_003655.3, residues 703-723): QGESGEEGDS[Asn713Ser]EDSSEDSSSE